The following is an entry in ClinVar:

ClinVar aggregate classification (germline): Uncertain significance (1 of 4 stars; one submission).

Conditions:
Hereditary cancer-predisposing syndrome. Also called: Tumor predisposition; Neoplastic Syndromes, Hereditary; Hereditary Cancer Syndrome; Hereditary neoplastic syndrome. Identifiers: Orphanet 140162, MedGen C0027672, MeSH D009386, MONDO:0015356.

gnomAD v4.1: 1 of 1,614,132 alleles (0.000062%); highest among the groups gnomAD compares: African/African-American, 0.0013%; no homozygotes.

Submission:

Ambry Genetics
Classification: Uncertain significance for Hereditary cancer-predisposing syndrome. Last evaluated: 2024-09-22. Review status: criteria provided, single submitter. Criteria: Ambry Variant Classification Scheme 2023. Collection method: clinical testing. Allele origin: germline.
Comment: The p.D2583N variant (also known as c.7747G>A), located in coding exon 15 of the BRCA2 gene, results from a G to A substitution at nucleotide position 7747. The aspartic acid at codon 2583 is replaced by asparagine, an amino acid with highly similar properties. This variant (also designated as c.7975G>A) was reported in at least one individual with features consistent with BRCA2-related cancer predisposition (Palomba G et al. BMC Cancer, 2009 Jul;9:245). This amino acid position is highly conserved in available vertebrate species. In addition, the in silico prediction for this alteration is inconclusive. Based on the available evidence, the clinical significance of this variant remains unclear.

Literature cited by the submitters: PubMed 19619314.

NM_000059.4(BRCA2):c.7747G>A (p.Asp2583Asn)

Gene: BRCA2 (BRCA2 DNA repair associated; plus strand). Cytogenetic location: 13q13.1.
Variant type: single nucleotide variant.
Coding change: c.7747G>A on transcript NM_000059.4 (MANE Select); coding-DNA position 7747, G replaced by A.
Protein change: p.Asp2583Asn; replaces aspartic acid 2583 with asparagine.
Molecular consequence: missense variant. On other transcripts: non-coding transcript variant (1).
Genome position (GRCh38, 1-based): chr13:32,357,871, G>A. VCF-style: chr13-32357871-G-A. GRCh37 (hg19) VCF-style: chr13-32932008-G-A.
Other names: c.7651G>A, p.Asp2551Asn (NM_001406719.1); c.7747G>A, p.Asp2583Asn (NM_001406720.1, NM_001432077.1); c.2815G>A, p.Asp939Asn (NM_001406721.1); c.1330G>A, p.Asp444Asn (NM_001406722.1); short protein forms D2551N, D939N, D2583N, D444N.
Identifiers: ClinVar variation 3482098 (VCV003482098.1).
Genomic context (GRCh38, chr13:32,357,871, plus strand): 5'-CACACTGAAGATTATTTTGGTAAGGAAAGTTTATGGACTGGAAAAGGAATACAGTTGGCT[G>A]ATGGTGGATGGCTCATACCCTCCAATGATGGAAAGGCTGGAAAAGAAGAATTTTATAGGT-3'
Protein context (NP_000050.3, residues 2573-2593): LWTGKGIQLA[Asp2583Asn]GGWLIPSNDG